The following is an entry in ClinVar:

ClinVar aggregate classification (germline): Uncertain significance. Review status: criteria provided, multiple submitters, no conflicts (2 of 4 stars). 2 submissions from 2 submitters: Uncertain significance (2). Last evaluated 2022-07-20.

Conditions:
Hereditary cancer-predisposing syndrome. Also called: Hereditary neoplastic syndrome; Tumor predisposition; Neoplastic Syndromes, Hereditary; Hereditary Cancer Syndrome. Identifiers: Orphanet 140162, MedGen C0027672, MeSH D009386, MONDO:0015356.
Birt-Hogg-Dube syndrome. Also called: Birt Hogg Dubé syndrome. Identifiers: Orphanet 122, MedGen C0346010, MONDO:0800444.

Submissions (2):

Ambry Genetics
Classification: Uncertain significance for Hereditary cancer-predisposing syndrome. Last evaluated: 2022-07-20. Review status: criteria provided, single submitter. Criteria: Ambry Variant Classification Scheme 2023. Collection method: clinical testing. Allele origin: germline.
Comment: The p.E305K variant (also known as c.913G>A), located in coding exon 6 of the FLCN gene, results from a G to A substitution at nucleotide position 913. The glutamic acid at codon 305 is replaced by lysine, an amino acid with similar properties. This amino acid position is highly conserved in available vertebrate species. In addition, the in silico prediction for this alteration is inconclusive. Since supporting evidence is limited at this time, the clinical significance of this alteration remains unclear.

Labcorp Genetics (formerly Invitae), Labcorp
Classification: Uncertain significance for Birt-Hogg-Dube syndrome. Last evaluated: 2021-06-20. Review status: criteria provided, single submitter. Criteria: Invitae Variant Classification Sherloc (09022015). Collection method: clinical testing. Allele origin: germline.
Comment: In summary, the available evidence is currently insufficient to determine the role of this variant in disease. Therefore, it has been classified as a Variant of Uncertain Significance. Algorithms developed to predict the effect of missense changes on protein structure and function (SIFT, PolyPhen-2, Align-GVGD) all suggest that this variant is likely to be tolerated, but these predictions have not been confirmed by published functional studies and their clinical significance is uncertain. This variant has not been reported in the literature in individuals with FLCN-related conditions. This variant is not present in population databases (ExAC no frequency). This sequence change replaces glutamic acid with lysine at codon 305 of the FLCN protein (p.Glu305Lys). The glutamic acid residue is moderately conserved and there is a small physicochemical difference between glutamic acid and lysine.

NM_144997.7(FLCN):c.913G>A (p.Glu305Lys)

Gene: FLCN (folliculin; minus strand). Cytogenetic location: 17p11.2.
Variant type: single nucleotide variant.
Coding change: c.913G>A on transcript NM_144997.7 (MANE Select); coding-DNA position 913, G replaced by A.
Protein change: p.Glu305Lys; replaces glutamic acid 305 with lysine.
Molecular consequence: missense variant.
Genome position (GRCh38, 1-based): chr17:17,219,168, C>T on the plus strand (G>A on the coding strand, the complement: FLCN is on the minus strand). VCF-style: chr17-17219168-C-T. GRCh37 (hg19) VCF-style: chr17-17122482-C-T.
Other names: c.967G>A, p.Glu323Lys (NM_001353229.2); c.913G>A, p.Glu305Lys (NM_001353230.2, NM_001353231.2); short protein forms E305K, E323K.
Identifiers: ClinVar variation 1483042 (VCV001483042.8), dbSNP rs2144897712, ClinGen allele CA398533021.
Genomic context (GRCh38, chr17:17,219,168, plus strand): 5'-CCTGGGTCAGCTCCCGCCCTTCTGTACTCTCTGGCAACACAGGGGCTTTCTCCTCCTCTT[C>T]AGCCTCAGAGTTGTCCCAGCTTTCTGATTCCTCTTCTAAATCTGCAAGACAGATGACAAG-3'
Protein context (NP_659434.2, residues 295-315): ESESWDNSEA[Glu305Lys]EEEKAPVLPE